The following is an entry in ClinVar:

ClinVar aggregate classification (germline): Uncertain significance (1 of 4 stars; one submission).

Conditions:
Inborn genetic diseases. Identifiers: MedGen C0950123, MeSH D030342.

Submission:

Ambry Genetics
Classification: Uncertain significance for Inborn genetic diseases. Last evaluated: 2026-09-09. Review status: criteria provided, single submitter. Criteria: Ambry Variant Classification Scheme 2023. Collection method: clinical testing. Allele origin: germline.
Comment: The c.3199-6A>G intronic variant consists of an A to G substitution 6 nucleotides before exon 12 (coding exon 12) in the ARID1A gene. This variant was not reported in population-based cohorts in the Genome Aggregation Database (gnomAD). This nucleotide position is poorly conserved in available vertebrate species. In silico splice site analysis predicts that this alteration will not have any significant effect on splicing. Based on insufficient or conflicting evidence, the clinical significance of this alteration remains unclear.

NM_006015.6(ARID1A):c.3199-6A>G

Gene: ARID1A (AT-rich interaction domain 1A; plus strand). Cytogenetic location: 1p36.11.
Variant type: single nucleotide variant.
Coding change: c.3199-6A>G on transcript NM_006015.6 (MANE Select); 6 bases into the intron before coding-DNA position 3199, A replaced by G.
Molecular consequence: intron variant.
Genome position (GRCh38, 1-based): chr1:26,771,113, A>G. VCF-style: chr1-26771113-A-G. GRCh37 (hg19) VCF-style: chr1-27097604-A-G.
Other names: c.3199-6A>G (NM_139135.4).
Identifiers: ClinVar variation 5029287 (VCV005029287.1).
Genomic context (GRCh38, chr1:26,771,113, plus strand): 5'-TTGGGGCTTATGGGCAGGAAAACCAGGCGGGAGATATACCTCGACTCCTTTGGTTTGGTT[A>G]TACAGGTCAACAAGAACAAAAAATGGCGGGAACTTGCAACCAACCTCAATGTGGGCACAT-3'